The following is an entry in ClinVar:

ClinVar aggregate classification (germline): Conflicting classifications of pathogenicity. Review status: criteria provided, conflicting classifications (1 of 4 stars). 2 submissions from 2 submitters: Likely pathogenic (1); Uncertain significance (1). Last evaluated 2026-02-18.

Conditions:
Pontocerebellar hypoplasia type 2B (PCH2B). Identifiers: Orphanet 2524, MedGen C2676466, MONDO:0012890, OMIM 612389.

Submissions (2):

GeneDx
Classification: Uncertain significance. Last evaluated: 2026-02-18. Review status: criteria provided, single submitter. Criteria: GeneDx Variant Classification Process June 2021. Collection method: clinical testing. Allele origin: germline.
Comment: Not observed at significant frequency in large population cohorts (gnomAD); In-frame deletion of 1 amino acid(s) in a non-repeat region; In silico analysis suggests that this variant does not alter protein structure/function; Has not been previously published as pathogenic or benign in association with a TSEN2-related disorder to our knowledge; This variant is associated with the following publications: (PMID: 31589614)

Genetic Services Laboratory, University of Chicago
Classification: Likely pathogenic for Pontocerebellar hypoplasia type 2B. Last evaluated: 2014-10-17. Review status: criteria provided, single submitter. Criteria: ACMG Guidelines, 2015. Collection method: clinical testing. Allele origin: germline. Affected: yes.

NM_025265.4(TSEN2):c.138CAA[1] (p.Asn48del)

Gene: TSEN2 (tRNA splicing endonuclease subunit 2; plus strand). Cytogenetic location: 3p25.2.
Variant type: Microsatellite.
Coding change: c.138CAA[1] on transcript NM_025265.4 (MANE Select); one copy of the 3-base unit CAA starting at c.138; the reference has two copies in a row; one copy, 3 bases deleted.
Protein change: p.Asn48del; deletes asparagine 48.
Molecular consequence: inframe deletion. On other transcripts: non-coding transcript variant (1).
Genome position (GRCh38, 1-based): chr3:12,489,941-12,489,943, CAA deleted; deleting any 3 consecutive bases within chr3:12,489,936-12,489,943 gives the same sequence; the position shown is the placement nearest the transcript's 3' end. VCF-style (leftmost placement, unchanged base first): chr3-12489935-TAAC-T. GRCh37 (hg19) VCF-style: chr3-12531434-TAAC-T.
Other names: c.138CAA[1], p.Asn48del (NM_001145392.2, NM_001145393.3, NM_001145394.2 and 3 more transcripts); short protein forms N48del.
Identifiers: ClinVar variation 212443 (VCV000212443.7), dbSNP rs797046052, ClinGen allele CA277076.
Genomic context (GRCh38, chr3:12,489,935, plus strand): 5'-CCCTTTTGGTCAGGACCATGGTCCTCTGAAAGAATTCAAGATATTCCGTGCTGAAATGAT[TAAC>T]AACAATGTGATTGTGAGGAATGCGGAGGACATTGAGCAGCTCTATGGGAAAGTAAGTGCA-3'